The following is an entry in ClinVar:

ClinVar aggregate classification (germline): Conflicting classifications of pathogenicity. Review status: criteria provided, conflicting classifications (1 of 4 stars). 4 submissions from 4 submitters: Uncertain significance (1); Likely benign (3). Last evaluated 2025-10-17.

Conditions:
Catecholaminergic polymorphic ventricular tachycardia (CVPT). Also called: Catecholamine-induced polymorphic ventricular tachycardia. Identifiers: Orphanet 3286, MedGen C5574922, MONDO:0017990.
Cardiomyopathy (CMYO). Also called: Cardiomyopathies. Identifiers: Orphanet 167848, MedGen C0878544, MONDO:0004994, HP:0001638. Inheritance: Various modes of inheritance.
Catecholaminergic polymorphic ventricular tachycardia 1. Also called: RYR2-Related Catecholaminergic Polymorphic Ventricular Tachycardia; VENTRICULAR TACHYCARDIA, STRESS-INDUCED POLYMORPHIC 1; VENTRICULAR TACHYCARDIA, CATECHOLAMINERGIC POLYMORPHIC, 1, WITH OR WITHOUT ATRIAL DYSFUNCTION AND/OR DILATED CARDIOMYOPATHY. Identifiers: Orphanet 3286, MedGen C1631597, MONDO:0011484, OMIM 604772.

Allele frequency attached by ClinVar (database versions not stated): gnomAD exomes below 0.00001; TOPMed 0.00001.
gnomAD v4.1: 3 of 1,611,812 alleles (0.00019%); highest among the groups gnomAD compares: East Asian, 0.0067%; no homozygotes.

Submissions (4):

Labcorp Genetics (formerly Invitae), Labcorp
Classification: Likely benign for Catecholaminergic polymorphic ventricular tachycardia 1. Last evaluated: 2025-10-17. Review status: criteria provided, single submitter. Criteria: Invitae Variant Classification Sherloc (09022015). Collection method: clinical testing. Allele origin: germline.

All of Us Research Program, National Institutes of Health
Classification: Likely benign for Catecholaminergic polymorphic ventricular tachycardia. Last evaluated: 2022-11-30. Review status: criteria provided, single submitter. Criteria: ACMG Guidelines, 2015. Collection method: clinical testing. Allele origin: germline. Inheritance: Autosomal dominant inheritance. Observed: 1 variant allele, 1 heterozygote.
Comment: This study involves interpretation of variants in research participants for the purpose of population health screening. Participant phenotype was not available at the time of variant classification. Additional details can be found in publication PMID: 35346344, PMCID: PMC8962531

Color Diagnostics, LLC DBA Color Health
Classification: Likely benign for Cardiomyopathy. Last evaluated: 2018-12-03. Review status: criteria provided, single submitter. Criteria: ACMG Guidelines, 2015. Collection method: clinical testing. Allele origin: germline.

Laboratory for Molecular Medicine, Mass General Brigham Personalized Medicine
Classification: Uncertain significance. Last evaluated: 2014-11-06. Review status: criteria provided, single submitter. Criteria: LMM Criteria. Collection method: clinical testing. Allele origin: germline. Observed: 1 variant allele.
Comment: The c.7513-8T>G variant in RYR2 has not been previously reported in individuals with cardiomyopathy or in large population studies. This variant is located in t he 3' splice region. Computational tools do not suggest an impact to splicing. H owever, this information is not predictive enough to rule out pathogenicity. In summary, the clinical significance of the c.7513-8T>G variant is uncertain.

NM_001035.3(RYR2):c.7513-8T>G

Gene: RYR2 (ryanodine receptor 2; plus strand). Cytogenetic location: 1q43.
Variant type: single nucleotide variant.
Coding change: c.7513-8T>G on transcript NM_001035.3 (MANE Select); 8 bases into the intron before coding-DNA position 7513, T replaced by G.
Molecular consequence: intron variant.
Genome position (GRCh38, 1-based): chr1:237,649,869, T>G. VCF-style: chr1-237649869-T-G. GRCh37 (hg19) VCF-style: chr1-237813169-T-G.
Identifiers: ClinVar variation 165107 (VCV000165107.17), dbSNP rs727503402, ClinGen allele CA010725.